The following is an entry in ClinVar:

ClinVar aggregate classification (germline): Uncertain significance (1 of 4 stars; one submission).

Submission:

Ambry Genetics
Classification: Uncertain significance. Last evaluated: 2024-03-25. Review status: criteria provided, single submitter. Criteria: Ambry Variant Classification Scheme 2023. Collection method: clinical testing. Allele origin: germline.
Comment: The p.S1410N variant (also known as c.4229G>A), located in coding exon 4 of the ALPK2 gene, results from a G to A substitution at nucleotide position 4229. The serine at codon 1410 is replaced by asparagine, an amino acid with highly similar properties. This amino acid position is conserved. In addition, this alteration is predicted to be tolerated by in silico analysis. Based on the available evidence, the clinical significance of this alteration remains unclear.

NM_052947.4(ALPK2):c.4229G>A (p.Ser1410Asn)

Genes: ALPK2 (alpha kinase 2; minus strand), LOC126862764 (BRD4-independent group 4 enhancer GRCh37_chr18:56202574-56203773; plus strand). Cytogenetic location: 18q21.31.
Variant type: single nucleotide variant.
Coding change: c.4229G>A on transcript NM_052947.4 (MANE Select); coding-DNA position 4229, G replaced by A.
Protein change: p.Ser1410Asn; replaces serine 1410 with asparagine.
Molecular consequence: missense variant.
Genome position (GRCh38, 1-based): chr18:58,535,958, C>T on the plus strand (G>A on the coding strand, the complement: ALPK2 is on the minus strand). VCF-style: chr18-58535958-C-T. GRCh37 (hg19) VCF-style: chr18-56203190-C-T.
Other names: short protein forms S1410N.
Identifiers: ClinVar variation 3288445 (VCV003288445.1).
Genomic context (GRCh38, chr18:58,535,958, plus strand): 5'-GCGCCCTGTGGTGTGGTTTCAGAGGGCTCTGGTTTTCCAGCCCTGGTGTACTCTATCACA[C>T]TTATCTCATCAATGGGATCTACAGAGGACTCTAGGATTTTAGGGCAGGTCAGAAACTTTT-3'
Protein context (NP_443179.3, residues 1400-1420): ESSVDPIDEI[Ser1410Asn]VIEYTRAGKP